The following is an entry in ClinVar:

NM_000466.3(PEX1):c.3781C>A (p.Gln1261Lys)

Genes: GATAD1 (GATA zinc finger domain containing 1; plus strand), PEX1 (peroxisomal biogenesis factor 1; minus strand). Cytogenetic location: 7q21.2.
Variant type: single nucleotide variant.
Coding change: c.3781C>A on transcript NM_000466.3 (MANE Select); coding-DNA position 3781, C replaced by A.
Protein change: p.Gln1261Lys; replaces glutamine 1261 with lysine.
Molecular consequence: missense variant.
Genome position (GRCh38, 1-based): chr7:92,487,528, G>T on the plus strand (C>A on the coding strand, the complement: PEX1 is on the minus strand). VCF-style: chr7-92487528-G-T. GRCh37 (hg19) VCF-style: chr7-92116842-G-T.
Other names: c.3157C>A, p.Gln1053Lys (NM_001282678.2); c.3610C>A, p.Gln1204Lys (NM_001282677.2); short protein forms Q1204K, Q1261K, Q1053K.
Identifiers: ClinVar variation 1503863 (VCV001503863.8), dbSNP rs2116022906, ClinGen allele CA368158620.
Genomic context (GRCh38, chr7:92,487,528, plus strand): 5'-TTACTTTCTGTCCAGGTCGAAACATTGTTCCACTTTGATTTTTTCTCCTCTTTGGATTTT[G>T]AAAGCTTTCATATCTGAAAAAAGAAAGAGATAATTTAATATGTATAAATACTACCATTAC-3'
Protein context (NP_000457.1, residues 1251-1271): KNFAELYESF[Gln1261Lys]NPKRRKNQSG

ClinVar aggregate classification (germline): Uncertain significance (1 of 4 stars; one submission).

Conditions:
Zellweger spectrum disorders (ZS). Also called: Zellweger Spectrum Disorder; Zellweger Spectrum; Zellweger Spectrum Disorder (ZSD); Zellweger syndrome. Identifiers: Orphanet 912, MedGen C0043459, MONDO:0019609.

Submission:

Labcorp Genetics (formerly Invitae), Labcorp
Classification: Uncertain significance for Zellweger spectrum disorders. Last evaluated: 2022-07-12. Review status: criteria provided, single submitter. Criteria: Invitae Variant Classification Sherloc (09022015). Collection method: clinical testing. Allele origin: germline.
Comment: This sequence change replaces glutamine, which is neutral and polar, with lysine, which is basic and polar, at codon 1261 of the PEX1 protein (p.Gln1261Lys). This variant is not present in population databases (gnomAD no frequency). This variant has not been reported in the literature in individuals affected with PEX1-related conditions. ClinVar contains an entry for this variant (Variation ID: 1503863). Advanced modeling of protein sequence and biophysical properties (such as structural, functional, and spatial information, amino acid conservation, physicochemical variation, residue mobility, and thermodynamic stability) performed at Invitae indicates that this missense variant is not expected to disrupt PEX1 protein function. In summary, the available evidence is currently insufficient to determine the role of this variant in disease. Therefore, it has been classified as a Variant of Uncertain Significance.